The following is an entry in ClinVar:

ClinVar aggregate classification (germline): Benign. Review status: criteria provided, multiple submitters, no conflicts (2 of 4 stars). 13 submissions from 9 submitters: Benign (12). 1 of the submissions does not count toward it. Last evaluated 2026-01-31.

Conditions:
Inborn genetic diseases. Identifiers: MedGen C0950123, MeSH D030342.
Familial hemiplegic migraine. Identifiers: MedGen C0338484, MONDO:0000700.
Developmental and epileptic encephalopathy 98. Identifiers: MedGen C5562017, MONDO:0030472, OMIM 619605.
Fetal akinesia, respiratory insufficiency, microcephaly, polymicrogyria, and dysmorphic facies. Identifiers: MedGen C5562015, MONDO:0859204, OMIM 619602.
Migraine, familial hemiplegic, 2. Identifiers: Orphanet 569, MedGen C1865322, MONDO:0011232, OMIM 602481.
Alternating hemiplegia of childhood 1 (AHC1). Identifiers: Orphanet 2131, MedGen C3549447, MONDO:0007087, OMIM 104290.

Allele frequency attached by ClinVar (database versions not stated): gnomAD exomes 0.00534; ExAC 0.00640; gnomAD 0.02067 and 0.02220; 1000 Genomes Project 0.02077; TOPMed 0.02281; ESP Exome Variant Server 0.02330; 1000 Genomes Project 30x 0.02452.
gnomAD v4.1: 6,208 of 1,613,984 alleles (0.38%); highest among the groups gnomAD compares: African/African-American, 7.4%; 204 homozygotes.

Submissions (13):

Labcorp Genetics (formerly Invitae), Labcorp
Classification: Benign for Familial hemiplegic migraine. Last evaluated: 2026-01-31. Review status: criteria provided, single submitter. Criteria: Invitae Variant Classification Sherloc (09022015). Collection method: clinical testing. Allele origin: germline.

Mayo Clinic Laboratories, Mayo Clinic
Classification: Benign. Last evaluated: 2022-12-20. Review status: criteria provided, single submitter. Criteria: ACMG Guidelines, 2015. Collection method: clinical testing. Allele origin: germline. Observed: 19 variant alleles.

Genome-Nilou Lab
Classification: Benign for Alternating hemiplegia of childhood 1. Last evaluated: 2021-12-05. Review status: criteria provided, single submitter. Criteria: ACMG Guidelines, 2015. Collection method: clinical testing. Allele origin: germline. Affected: no.

Genome-Nilou Lab
Classification: Benign for Developmental and epileptic encephalopathy 98. Last evaluated: 2021-12-05. Review status: criteria provided, single submitter. Criteria: ACMG Guidelines, 2015. Collection method: clinical testing. Allele origin: germline. Affected: no.

Genome-Nilou Lab
Classification: Benign for Fetal akinesia, respiratory insufficiency, microcephaly, polymicrogyria, and dysmorphic facies. Last evaluated: 2021-12-05. Review status: criteria provided, single submitter. Criteria: ACMG Guidelines, 2015. Collection method: clinical testing. Allele origin: germline. Affected: no.

Genome-Nilou Lab
Classification: Benign for Migraine, familial hemiplegic, 2. Last evaluated: 2021-12-05. Review status: criteria provided, single submitter. Criteria: ACMG Guidelines, 2015. Collection method: clinical testing. Allele origin: germline. Affected: no.

Illumina Laboratory Services, Illumina
Classification: Benign for Alternating hemiplegia of childhood 1. Last evaluated: 2018-01-13. Review status: criteria provided, single submitter. Criteria: ICSL Variant Classification Criteria 13 December 2019. Collection method: clinical testing. Allele origin: germline.
Comment: This variant was observed in the ICSL laboratory as part of a predisposition screen in an ostensibly healthy population. It had not been previously curated by ICSL or reported in the Human Gene Mutation Database (HGMD: prior to June 1st, 2018), and was therefore a candidate for classification through an automated scoring system. Utilizing variant allele frequency, disease prevalence and penetrance estimates, and inheritance mode, an automated score was calculated to assess if this variant is too frequent to cause the disease. Based on the score and internal cut-off values, a variant classified as benign is not then subjected to further curation. The score for this variant resulted in a classification of benign for this disease.

Illumina Laboratory Services, Illumina
Classification: Benign for Migraine, familial hemiplegic, 2. Last evaluated: 2018-01-13. Review status: criteria provided, single submitter. Criteria: ICSL Variant Classification Criteria 13 December 2019. Collection method: clinical testing. Allele origin: germline.
Comment: the same text as in the submission from Illumina Laboratory Services, Illumina above.

Athena Diagnostics
Classification: Benign for Migraine, familial hemiplegic, 2. Last evaluated: 2017-05-16. Review status: criteria provided, single submitter. Criteria: Athena Diagnostics Criteria. Collection method: clinical testing. Allele origin: germline.

Ambry Genetics
Classification: Benign for Inborn genetic diseases. Last evaluated: 2016-01-08. Review status: criteria provided, single submitter. Criteria: Ambry Variant Classification Scheme 2023. Collection method: clinical testing. Allele origin: germline.

GeneDx
Classification: Benign. Last evaluated: 2012-05-08. Review status: criteria provided, single submitter. Criteria: GeneDx Variant Classification (06012015). Collection method: clinical testing. Allele origin: germline. Affected: yes.
Comment: This variant is considered likely benign or benign based on one or more of the following criteria: it is a conservative change, it occurs at a poorly conserved position in the protein, it is predicted to be benign by multiple in silico algorithms, and/or has population frequency not consistent with disease.

Breakthrough Genomics
Classification: Benign. Review status: criteria provided, single submitter. Criteria: ACMG Guidelines, 2015. Collection method: not provided. Allele origin: germline. Inheritance: Autosomal recessive inheritance. Affected: yes.

Genetic Services Laboratory, University of Chicago
Classification: Likely benign for AllHighlyPenetrant. Review status: no assertion criteria provided. Collection method: clinical testing. Allele origin: germline. Inheritance: Autosomal dominant inheritance. Not counted in ClinVar's aggregate classification.
Comment: Likely benign based on allele frequency in 1000 Genomes Project or ESP global frequency and its presence in a patient with a rare or unrelated disease phenotype. NOT Sanger confirmed.

NM_000702.4(ATP1A2):c.1980C>T (p.Cys660=)

Gene: ATP1A2 (ATPase Na+/K+ transporting subunit alpha 2; plus strand). Cytogenetic location: 1q23.2.
Variant type: single nucleotide variant.
Coding change: c.1980C>T on transcript NM_000702.4 (MANE Select); coding-DNA position 1980, C replaced by T.
Protein change: p.Cys660=; no amino-acid change (cysteine 660 retained).
Molecular consequence: synonymous variant.
Genome position (GRCh38, 1-based): chr1:160,135,160, C>T. VCF-style: chr1-160135160-C-T. GRCh37 (hg19) VCF-style: chr1-160104950-C-T.
Other names: p.C660C:TGC>TGT; p.Cys660=.
Identifiers: ClinVar variation 128480 (VCV000128480.26), dbSNP rs61734529, ClinGen allele CA288691.